The following is an entry in ClinVar:

NM_001367721.1(CASK):c.1586C>A (p.Thr529Lys)

Gene: CASK (calcium/calmodulin dependent serine protein kinase; minus strand). Cytogenetic location: Xp11.4.
Variant type: single nucleotide variant.
Coding change: c.1586C>A on transcript NM_001367721.1 (MANE Select); coding-DNA position 1586, C replaced by A.
Protein change: p.Thr529Lys; replaces threonine 529 with lysine.
Molecular consequence: missense variant.
Genome position (GRCh38, 1-based): chrX:41,561,641, G>T on the plus strand (C>A on the coding strand, the complement: CASK is on the minus strand). VCF-style: chrX-41561641-G-T. GRCh37 (hg19) VCF-style: chrX-41420894-G-T.
Other names: c.1586C>A, p.Thr529Lys (NM_001126054.3, NM_003688.4); c.1568C>A, p.Thr523Lys (NM_001126055.3, NM_001410745.1); short protein forms T529K, T523K.
Identifiers: ClinVar variation 420307 (VCV000420307.4), dbSNP rs755515289, ClinGen allele CA16621401.

ClinVar aggregate classification (germline): Likely pathogenic (1 of 4 stars; one submission).

Submission:

GeneDx
Classification: Likely pathogenic. Last evaluated: 2025-07-23. Review status: criteria provided, single submitter. Criteria: GeneDx Variant Classification Process June 2021. Collection method: clinical testing. Allele origin: germline. Affected: yes.
Comment: Not observed at significant frequency in large population cohorts (gnomAD); In silico analysis supports that this missense variant has a deleterious effect on protein structure/function; Has not been previously published as pathogenic or benign to our knowledge